The following is an entry in ClinVar:

ClinVar aggregate classification (germline): Likely pathogenic. Review status: criteria provided, single submitter (1 of 4 stars). 2 submissions from 2 submitters: Likely pathogenic (1). 1 of the submissions does not count toward it. Last evaluated 2023-03-23.

Conditions:
Stargardt disease (FFM). Also called: Stargardt's disease; Fundus flavimaculatus. Identifiers: Orphanet 827, MedGen C0271093, MONDO:0019353.

Submissions (2):

Labcorp Genetics (formerly Invitae), Labcorp
Classification: Likely pathogenic. Last evaluated: 2023-03-23. Review status: criteria provided, single submitter. Criteria: Invitae Variant Classification Sherloc (09022015). Collection method: clinical testing. Allele origin: germline.
Comment: In summary, the currently available evidence indicates that the variant is pathogenic, but additional data are needed to prove that conclusively. Therefore, this variant has been classified as Likely Pathogenic. Advanced modeling of protein sequence and biophysical properties (such as structural, functional, and spatial information, amino acid conservation, physicochemical variation, residue mobility, and thermodynamic stability) performed at Invitae indicates that this missense variant is expected to disrupt PROM1 protein function. ClinVar contains an entry for this variant (Variation ID: 1355329). This missense change has been observed in individual(s) with autosomal recessive Stargardt Disease (Invitae). In at least one individual the data is consistent with being in trans (on the opposite chromosome) from a pathogenic variant. This variant is not present in population databases (gnomAD no frequency). This sequence change replaces valine, which is neutral and non-polar, with aspartic acid, which is acidic and polar, at codon 475 of the PROM1 protein (p.Val475Asp).

Ophthalmo-Genetics Lab, Instituto de Oftalmologia Conde de Valenciana
Classification: Pathogenic for Stargardt disease. Last evaluated: 2022-12-13. Review status: no assertion criteria provided. Collection method: research. Allele origin: biparental. Inheritance: Autosomal recessive inheritance. Affected: yes. Observed: 1 compound heterozygote. Not counted in ClinVar's aggregate classification.

Literature cited by the submitters: PubMed 30578500 (cited by Ophthalmo-Genetics Lab, Instituto de Oftalmologia Conde de Valenciana).

NM_006017.3(PROM1):c.1424T>A (p.Val475Asp)

Gene: PROM1 (prominin 1; minus strand). Cytogenetic location: 4p15.32.
Variant type: single nucleotide variant.
Coding change: c.1424T>A on transcript NM_006017.3 (MANE Select); coding-DNA position 1424, T replaced by A.
Protein change: p.Val475Asp; replaces valine 475 with aspartic acid.
Molecular consequence: missense variant.
Genome position (GRCh38, 1-based): chr4:16,006,568, A>T on the plus strand (T>A on the coding strand, the complement: PROM1 is on the minus strand). VCF-style: chr4-16006568-A-T. GRCh37 (hg19) VCF-style: chr4-16008191-A-T.
Other names: c.1397T>A, p.Val466Asp (NM_001145847.2, NM_001145848.2, NM_001145851.2 and 4 more transcripts); c.1424T>A, p.Val475Asp (NM_001145849.2, NM_001145850.2); short protein forms V466D, V475D.
Identifiers: ClinVar variation 1355329 (VCV001355329.7), dbSNP rs2149234796, ClinGen allele CA356435156.